The following is an entry in ClinVar:

ClinVar aggregate classification (germline): Pathogenic (1 of 4 stars; one submission).

Submission:

Labcorp Genetics (formerly Invitae), Labcorp
Classification: Pathogenic. Last evaluated: 2022-05-21. Review status: criteria provided, single submitter. Criteria: Invitae Variant Classification Sherloc (09022015). Collection method: clinical testing. Allele origin: germline.
Comment: For these reasons, this variant has been classified as Pathogenic. This variant has not been reported in the literature in individuals affected with MUT-related conditions. This variant is not present in population databases (gnomAD no frequency). This sequence change creates a premature translational stop signal (p.Ser428Phefs*3) in the MUT gene. It is expected to result in an absent or disrupted protein product. Loss-of-function variants in MUT are known to be pathogenic (PMID: 15781192).

Literature cited by the submitters: PubMed 15781192.

NM_000255.4(MMUT):c.1283del (p.Ser428fs)

Gene: MMUT (methylmalonyl-CoA mutase; minus strand). Cytogenetic location: 6p12.3.
Variant type: Deletion.
Coding change: c.1283del on transcript NM_000255.4 (MANE Select); coding-DNA position 1283, one base deleted (C; older notation c.1283delC).
Protein change: p.Ser428fs; shifts the reading frame from serine 428.
Molecular consequence: frameshift variant.
Genome position (GRCh38, 1-based): chr6:49,451,515, G deleted on the plus strand (C on the coding strand, the reverse complement: MMUT is on the minus strand). VCF-style (leftmost placement, unchanged base first): chr6-49451514-AG-A. GRCh37 (hg19) VCF-style: chr6-49419227-AG-A.
Other names: short protein forms S428fs.
Identifiers: ClinVar variation 1997705 (VCV001997705.4), dbSNP rs2481333863, ClinGen allele CA2580074724.